The following is an entry in ClinVar:

NM_000123.4(ERCC5):c.2108A>G (p.Asp703Gly)

Genes: BIVM-ERCC5 (BIVM-ERCC5 readthrough; plus strand), ERCC5 (ERCC excision repair 5, endonuclease; plus strand), LOC126861834 (BRD4-independent group 4 enhancer GRCh37_chr13:103518038-103519237; plus strand). Cytogenetic location: 13q33.1.
Variant type: single nucleotide variant.
Coding change: c.2108A>G on transcript NM_000123.4 (MANE Select); coding-DNA position 2108, A replaced by G.
Protein change: p.Asp703Gly; replaces aspartic acid 703 with glycine.
Molecular consequence: missense variant.
Genome position (GRCh38, 1-based): chr13:102,865,820, A>G. VCF-style: chr13-102865820-A-G. GRCh37 (hg19) VCF-style: chr13-103518170-A-G.
Other names: c.3470A>G, p.Asp1157Gly (NM_001204425.2); short protein forms D1157G, D703G.
Identifiers: ClinVar variation 2445270 (VCV002445270.4), dbSNP rs199651040, ClinGen allele CA7041525.

ClinVar aggregate classification (germline): Conflicting classifications of pathogenicity. Review status: criteria provided, conflicting classifications (1 of 4 stars). 3 submissions from 3 submitters: Uncertain significance (1); Benign (1); Likely benign (1). Last evaluated 2026-01-28.

Conditions:
Ovarian cancer. Also called: OVARIAN CANCER, SOMATIC. Identifiers: Orphanet 213500, MedGen C1140680, MONDO:0008170, OMIM 167000.

Allele frequency attached by ClinVar (database versions not stated): gnomAD 0.00008; gnomAD exomes 0.00009; TOPMed 0.00013; 1000 Genomes Project 30x 0.00016; 1000 Genomes Project 0.00020; ExAC 0.00033.
gnomAD v4.1: 151 of 1,614,230 alleles (0.0094%); highest among the groups gnomAD compares: South Asian, 0.11%; no homozygotes.

Submissions (3):

Labcorp Genetics (formerly Invitae), Labcorp
Classification: Likely benign. Last evaluated: 2026-01-28. Review status: criteria provided, single submitter. Criteria: Invitae Variant Classification Sherloc (09022015). Collection method: clinical testing. Allele origin: germline.

GeneDx
Classification: Uncertain significance. Last evaluated: 2022-12-29. Review status: criteria provided, single submitter. Criteria: GeneDx Variant Classification Process June 2021. Collection method: clinical testing. Allele origin: germline. Affected: yes.
Comment: Has not been previously published as pathogenic or benign to our knowledge; In silico analysis supports that this missense variant has a deleterious effect on protein structure/function

Laboratory of Molecular Epidemiology of Birth Defects, West China Second University Hospital, Sichuan University
Classification: Benign for Ovarian cancer. Last evaluated: 2022-01-01. Review status: criteria provided, single submitter. Criteria: ACMG Guidelines, 2015. Collection method: clinical testing. Allele origin: germline. Affected: yes.